The following is an entry in ClinVar:

NM_012435.3(SHC2):c.519C>T (p.Asn173=)

Gene: SHC2 (SHC adaptor protein 2; minus strand). Cytogenetic location: 19p13.3.
Variant type: single nucleotide variant.
Coding change: c.519C>T on transcript NM_012435.3 (MANE Select); coding-DNA position 519, C replaced by T.
Protein change: p.Asn173=; no amino-acid change (asparagine 173 retained).
Molecular consequence: synonymous variant.
Genome position (GRCh38, 1-based): chr19:440,882, G>A on the plus strand (C>T on the coding strand, the complement: SHC2 is on the minus strand). VCF-style: chr19-440882-G-A. GRCh37 (hg19) VCF-style: chr19-440882-G-A.
Other names: c.519C>T, p.Asn173= (NM_001387056.1).
Identifiers: ClinVar variation 2648844 (VCV002648844.24), dbSNP rs113455631, ClinGen allele CA9015815.
Genomic context (GRCh38, chr19:440,882, plus strand): 5'-CACTCAGCCCTACGCGGCCAGGGCAGGGTTGGAGGCTCACCTGGTCACCTGCGTGCGCGT[G>A]TTAAAGTCCAGGGAGCGCATAGAGCGGAGAACCTCGATGCAGCCCATGTACTGAGGGGAG-3'
Protein context (NP_036567.2, residues 163-183): VLRSMRSLDF[Asn173=]TRTQVTREAI

ClinVar aggregate classification (germline): Likely benign (1 of 4 stars; one submission).

Allele frequency attached by ClinVar (database versions not stated): 1000 Genomes Project 0.00300; 1000 Genomes Project 30x 0.00328; ESP Exome Variant Server 0.00385; gnomAD 0.00474; TOPMed 0.00493.
gnomAD v4.1: 8,160 of 1,612,636 alleles (0.51%); highest among the groups gnomAD compares: Middle Eastern, 0.58%; 33 homozygotes.

Submission:

CeGaT Center for Human Genetics Tuebingen
Classification: Likely benign. Last evaluated: 2023-03-01. Review status: criteria provided, single submitter. Criteria: CeGaT Center For Human Genetics Tuebingen Variant Classification Criteria Version 2. Collection method: clinical testing. Allele origin: germline. Affected: yes. Observed: 1 variant allele.
Comment: SHC2: BP4, BP7, BS2